The following is an entry in ClinVar:

NM_015512.5(DNAH1):c.7226C>T (p.Thr2409Met)

Gene: DNAH1 (dynein axonemal heavy chain 1; plus strand). Cytogenetic location: 3p21.1.
Variant type: single nucleotide variant.
Coding change: c.7226C>T on transcript NM_015512.5 (MANE Select); coding-DNA position 7226, C replaced by T.
Protein change: p.Thr2409Met; replaces threonine 2409 with methionine.
Molecular consequence: missense variant.
Genome position (GRCh38, 1-based): chr3:52,378,629, C>T. VCF-style: chr3-52378629-C-T. GRCh37 (hg19) VCF-style: chr3-52412645-C-T.
Other names: short protein forms T2409M.
Identifiers: ClinVar variation 2385835 (VCV002385835.5), dbSNP rs770649051, ClinGen allele CA2434832.

ClinVar aggregate classification (germline): Uncertain significance. Review status: criteria provided, multiple submitters, no conflicts (2 of 4 stars). 2 submissions from 2 submitters: Uncertain significance (2). Last evaluated 2023-08-11.

Conditions:
Spermatogenic failure 18. Identifiers: MedGen C4539783, MONDO:0054615, OMIM 617576.
Ciliary dyskinesia, primary, 37 (CILD37). Also called: CILIARY DYSKINESIA, PRIMARY, 37, WITH OR WITHOUT SITUS INVERSUS. Identifiers: MedGen C4539798, MONDO:0033204, OMIM 617577.

Allele frequency attached by ClinVar (database versions not stated): gnomAD exomes 0.00001; ExAC 0.00002; TOPMed 0.00002.
gnomAD v4.1: 13 of 1,613,438 alleles (0.00081%); highest among the groups gnomAD compares: South Asian, 0.0033%; no homozygotes.

Submissions (2):

Labcorp Genetics (formerly Invitae), Labcorp
Classification: Uncertain significance for Ciliary dyskinesia, primary, 37; Spermatogenic failure 18. Last evaluated: 2023-08-11. Review status: criteria provided, single submitter. Criteria: Invitae Variant Classification Sherloc (09022015). Collection method: clinical testing. Allele origin: germline.
Comment: In summary, the available evidence is currently insufficient to determine the role of this variant in disease. Therefore, it has been classified as a Variant of Uncertain Significance. Advanced modeling of protein sequence and biophysical properties (such as structural, functional, and spatial information, amino acid conservation, physicochemical variation, residue mobility, and thermodynamic stability) performed at Invitae indicates that this missense variant is not expected to disrupt DNAH1 protein function. ClinVar contains an entry for this variant (Variation ID: 2385835). This variant has not been reported in the literature in individuals affected with DNAH1-related conditions. The frequency data for this variant in the population databases is considered unreliable, as metrics indicate poor data quality at this position in the gnomAD database. This sequence change replaces threonine, which is neutral and polar, with methionine, which is neutral and non-polar, at codon 2409 of the DNAH1 protein (p.Thr2409Met).

Ambry Genetics
Classification: Uncertain significance. Last evaluated: 2021-12-06. Review status: criteria provided, single submitter. Criteria: Ambry Variant Classification Scheme 2023. Collection method: clinical testing. Allele origin: germline.